The following is an entry in ClinVar:

NM_138927.4(SON):c.5952G>C (p.Arg1984=)

Gene: SON (SON DNA and RNA binding protein; plus strand). Cytogenetic location: 21q22.11.
Variant type: single nucleotide variant.
Coding change: c.5952G>C on transcript NM_138927.4 (MANE Select); coding-DNA position 5952, G replaced by C.
Protein change: p.Arg1984=; no amino-acid change (arginine 1984 retained).
Molecular consequence: synonymous variant. On other transcripts: non-coding transcript variant (1), intron variant (1).
Genome position (GRCh38, 1-based): chr21:33,555,183, G>C. VCF-style: chr21-33555183-G-C. GRCh37 (hg19) VCF-style: chr21-34927489-G-C.
Other names: c.5952G>C, p.Arg1984= (NM_001291411.2, NM_032195.3); c.245-1973G>C (NM_001291412.3).
Identifiers: ClinVar variation 723280 (VCV000723280.26), dbSNP rs545015873, ClinGen allele CA10009844.
Genomic context (GRCh38, chr21:33,555,183, plus strand): 5'-CCGCACCCCCAGCCGCCGCAGCCGCACCCCCAGCCGCCGCAGCCGCACCCCCAGCCGCCG[G>C]AGCCGCACCCCTAGCCGTCGGAGCCGCACCCCAAGCCGCCGGAGAAGATCAAGGTCTGTG-3'
Protein context (NP_620305.3, residues 1974-1994): PSRRSRTPSR[Arg1984=]SRTPSRRSRT

ClinVar aggregate classification (germline): Likely benign. Review status: criteria provided, multiple submitters, no conflicts (2 of 4 stars). 3 submissions from 3 submitters: Likely benign (3). Last evaluated 2025-04-01.

Allele frequency attached by ClinVar (database versions not stated): ExAC 0.00001; gnomAD exomes 0.00005 and 0.00007; gnomAD 0.00016 and 0.00017; 1000 Genomes Project 0.00080.

Submissions (3):

CeGaT Center for Human Genetics Tuebingen
Classification: Likely benign. Last evaluated: 2025-04-01. Review status: criteria provided, single submitter. Criteria: CeGaT Center For Human Genetics Tuebingen Variant Classification Criteria Version 2. Collection method: clinical testing. Allele origin: germline. Affected: yes. Observed: 2 variant alleles.
Comment: SON: BP4, BP7

Labcorp Genetics (formerly Invitae), Labcorp
Classification: Likely benign. Last evaluated: 2025-03-30. Review status: criteria provided, single submitter. Criteria: Invitae Variant Classification Sherloc (09022015). Collection method: clinical testing. Allele origin: germline.

Breakthrough Genomics
Classification: Likely benign. Review status: criteria provided, single submitter. Criteria: ACMG Guidelines, 2015. Collection method: not provided. Allele origin: germline. Inheritance: Autosomal dominant inheritance. Affected: yes.